The following is an entry in ClinVar:

ClinVar aggregate classification (germline): Uncertain significance (1 of 4 stars; one submission).

Allele frequency attached by ClinVar (database versions not stated): TOPMed below 0.00001 and 0.00001; gnomAD 0.00001.
gnomAD v4.1: 6 of 1,614,006 alleles (0.00037%); highest among the groups gnomAD compares: Non-Finnish European, 0.00051%; no homozygotes.

Submission:

Labcorp Genetics (formerly Invitae), Labcorp
Classification: Uncertain significance. Last evaluated: 2022-06-09. Review status: criteria provided, single submitter. Criteria: Invitae Variant Classification Sherloc (09022015). Collection method: clinical testing. Allele origin: germline.
Comment: In summary, the available evidence is currently insufficient to determine the role of this variant in disease. Therefore, it has been classified as a Variant of Uncertain Significance. Algorithms developed to predict the effect of missense changes on protein structure and function are either unavailable or do not agree on the potential impact of this missense change (SIFT: "Tolerated"; PolyPhen-2: "Possibly Damaging"; Align-GVGD: "Class C0"). This variant has not been reported in the literature in individuals affected with GFAP-related conditions. This variant is not present in population databases (gnomAD no frequency). This sequence change replaces alanine, which is neutral and non-polar, with proline, which is neutral and non-polar, at codon 118 of the GFAP protein (p.Ala118Pro).

NM_002055.5(GFAP):c.352G>C (p.Ala118Pro)

Gene: GFAP (glial fibrillary acidic protein; minus strand). Cytogenetic location: 17q21.31.
Variant type: single nucleotide variant.
Coding change: c.352G>C on transcript NM_002055.5 (MANE Select); coding-DNA position 352, G replaced by C.
Protein change: p.Ala118Pro; replaces alanine 118 with proline.
Molecular consequence: missense variant.
Genome position (GRCh38, 1-based): chr17:44,915,135, C>G on the plus strand (G>C on the coding strand, the complement: GFAP is on the minus strand). VCF-style: chr17-44915135-C-G. GRCh37 (hg19) VCF-style: chr17-42992503-C-G.
Other names: c.352G>C, p.Ala118Pro (NM_001131019.3, NM_001242376.3, NM_001363846.2); short protein forms A118P.
Identifiers: ClinVar variation 1903155 (VCV001903155.5), dbSNP rs886053019, ClinGen allele CA10649448.
Genomic context (GRCh38, chr17:44,915,135, plus strand): 5'-CCAGCCGGGCGCTGTTGGCGGTGAGTTGATCGAGCCGCAGCCGCAGCTCTCGCAGCTCAG[C>G]CTGGTAGACGTCTGCCAGCTTGGTGGGCTCCTTGGCCCGCAGCTGGTTCAGCTCAGCAGC-3'
Protein context (NP_002046.1, residues 108-128): EPTKLADVYQ[Ala118Pro]ELRELRLRLD